The following is an entry in ClinVar:

NM_007294.4(BRCA1):c.3847C>T (p.His1283Tyr)

Genes: BRCA1 (BRCA1 DNA repair associated; minus strand), LOC126862571 (BRD4-independent group 4 enhancer GRCh37_chr17:41243136-41244335; plus strand). Cytogenetic location: 17q21.31.
Variant type: single nucleotide variant.
Coding change: c.3847C>T on transcript NM_007294.4 (MANE Select); coding-DNA position 3847, C replaced by T.
Protein change: p.His1283Tyr; replaces histidine 1283 with tyrosine.
Molecular consequence: missense variant. On other transcripts: intron variant (135).
Genome position (GRCh38, 1-based): chr17:43,091,684, G>A on the plus strand (C>T on the coding strand, the complement: BRCA1 is on the minus strand). VCF-style: chr17-43091684-G-A. GRCh37 (hg19) VCF-style: chr17-41243701-G-A.
Other names: c.3844C>T, p.His1282Tyr (NM_001407631.1, NM_001407634.1, NM_001407636.1 and 22 more transcripts); c.3466C>T, p.His1156Tyr (NM_001407959.1, NM_001407960.1, NM_001407963.1); c.644-652C>T (NM_001408465.1, NM_001408463.1, NM_001408470.1 and 3 more transcripts); c.578-652C>T (NM_001408478.1, NM_001408484.1, NM_001408482.1 and 9 more transcripts); c.665-652C>T (NM_001408428.1, NM_001408440.1, NM_001408436.1 and 12 more transcripts); c.671-652C>T (NM_001408418.1, NM_001408422.1, NM_001408423.1 and 2 more transcripts); c.524-652C>T (NM_001408499.1, NM_001408498.1, NM_001408501.1 and 3 more transcripts); c.707-652C>T (NM_001408416.1, NM_001408413.1); and 41 more; short protein forms H1283Y, H1236Y, H1155Y, H1212Y, H1256Y, H987Y, H1156Y, H1171Y.
Identifiers: ClinVar variation 441432 (VCV000441432.8), dbSNP rs1555586946, ClinGen allele CA10594270.

ClinVar aggregate classification (germline): Conflicting classifications of pathogenicity. Review status: criteria provided, conflicting classifications (1 of 4 stars). 2 submissions from 2 submitters: Uncertain significance (1); Likely benign (1). Last evaluated 2023-03-23.

Conditions:
Hereditary cancer-predisposing syndrome. Also called: Hereditary Cancer Syndrome; Hereditary neoplastic syndrome; Neoplastic Syndromes, Hereditary; Tumor predisposition. Identifiers: Orphanet 140162, MedGen C0027672, MeSH D009386, MONDO:0015356.

Submissions (2):

University of Washington Department of Laboratory Medicine, University of Washington
Classification: Likely benign for Hereditary cancer-predisposing syndrome. Last evaluated: 2023-03-23. Review status: criteria provided, single submitter. Criteria: Dines et al. (Genet Med. 2020). Collection method: curation. Allele origin: germline.
Comment: Missense variant in a coldspot region where missense variants are very unlikely to be pathogenic (PMID:31911673).

BRCA1 coldspot (exon 11 using historical exon numbering). Reclassification based on statistical prior probability

Ambry Genetics
Classification: Uncertain significance for Hereditary cancer-predisposing syndrome. Last evaluated: 2015-10-13. Review status: criteria provided, single submitter. Criteria: Ambry Variant Classification Scheme 2023. Collection method: clinical testing. Allele origin: germline.
Comment: The p.H1283Y variant (also known as c.3847C>T), located in coding exon 9 of the BRCA1 gene, results from a C to T substitution at nucleotide position 3847. The histidine at codon 1283 is replaced by tyrosine, an amino acid with similar properties. This variant was not reported in population based cohorts in the following databases: Database of Single Nucleotide Polymorphisms (dbSNP), NHLBI Exome Sequencing Project (ESP), and 1000 Genomes Project. In the ESP, this variant was not observed in 6503 samples (13006 alleles) with coverage at this position. To date, this alteration has been detected with an allele frequency of approximately 0.001% (greater than 150000 alleles tested) in our clinical cohort. This amino acid position is poorly conserved in available vertebrate species. In addition, the in silico prediction for this alteration is inconclusive. Since supporting evidence is limited at this time, the clinical significance of p.H1283Y remains unclear.